The following is an entry in ClinVar:

NM_001039141.3(TRIOBP):c.1989T>C (p.Pro663=)

Gene: TRIOBP (TRIO and F-actin binding protein; plus strand). Cytogenetic location: 22q13.1.
Variant type: single nucleotide variant.
Coding change: c.1989T>C on transcript NM_001039141.3 (MANE Select); coding-DNA position 1989, T replaced by C.
Protein change: p.Pro663=; no amino-acid change (proline 663 retained).
Molecular consequence: synonymous variant.
Genome position (GRCh38, 1-based): chr22:37,724,545, T>C. VCF-style: chr22-37724545-T-C. GRCh37 (hg19) VCF-style: chr22-38120552-T-C.
Identifiers: ClinVar variation 1193765 (VCV001193765.8), dbSNP rs530563313, ClinGen allele CA10223755.

ClinVar aggregate classification (germline): Likely benign. Review status: criteria provided, multiple submitters, no conflicts (2 of 4 stars). 3 submissions from 3 submitters: Likely benign (3). Last evaluated 2026-07-09.

Conditions:
TRIOBP-related disorder. Also called: TRIOBP-related condition.

Allele frequency attached by ClinVar (database versions not stated): gnomAD exomes 0.00002 and 0.00005; ExAC 0.00012; gnomAD 0.00013.

Submissions (3):

PreventionGenetics, part of Exact Sciences
Classification: Likely benign for TRIOBP-related condition. Last evaluated: 2026-07-09. Review status: criteria provided, single submitter. Criteria: ACMG Guidelines, 2015. Collection method: clinical testing. Allele origin: germline.
Comment: This variant is classified as likely benign based on ACMG/AMP sequence variant interpretation guidelines (Richards et al. 2015 PMID: 25741868, with internal and published modifications).

Labcorp Genetics (formerly Invitae), Labcorp
Classification: Likely benign. Last evaluated: 2022-07-21. Review status: criteria provided, single submitter. Criteria: Invitae Variant Classification Sherloc (09022015). Collection method: clinical testing. Allele origin: germline.

GeneDx
Classification: Likely benign. Last evaluated: 2019-01-23. Review status: criteria provided, single submitter. Criteria: GeneDx Variant Classification Process June 2021. Collection method: clinical testing. Allele origin: germline. Affected: yes.